The following is an entry in ClinVar:

NM_003680.4(YARS1):c.700C>G (p.Leu234Val)

Genes: YARS1 (tyrosyl-tRNA synthetase 1; minus strand), LOC126805688 (BRD4-independent group 4 enhancer GRCh37_chr1:33251929-33253128; plus strand). Cytogenetic location: 1p35.1.
Variant type: single nucleotide variant.
Coding change: c.700C>G on transcript NM_003680.4 (MANE Select); coding-DNA position 700, C replaced by G.
Protein change: p.Leu234Val; replaces leucine 234 with valine.
Molecular consequence: missense variant.
Genome position (GRCh38, 1-based): chr1:32,787,060, G>C on the plus strand (C>G on the coding strand, the complement: YARS1 is on the minus strand). VCF-style: chr1-32787060-G-C. GRCh37 (hg19) VCF-style: chr1-33252661-G-C.
Other names: short protein forms L234V.
Identifiers: ClinVar variation 1034573 (VCV001034573.7), dbSNP rs1653252713, ClinGen allele CA339685473.

ClinVar aggregate classification (germline): Uncertain significance (1 of 4 stars; one submission).

Conditions:
Charcot-Marie-Tooth disease dominant intermediate C (CMTDIC). Also called: CHARCOT-MARIE-TOOTH NEUROPATHY, DOMINANT INTERMEDIATE C. Identifiers: Orphanet 100045, MedGen C1842237, MONDO:0012012, OMIM 608323.

Submission:

Labcorp Genetics (formerly Invitae), Labcorp
Classification: Uncertain significance for Charcot-Marie-Tooth disease dominant intermediate C. Last evaluated: 2020-03-06. Review status: criteria provided, single submitter. Criteria: Invitae Variant Classification Sherloc (09022015). Collection method: clinical testing. Allele origin: germline.
Comment: This sequence change replaces leucine with valine at codon 234 of the YARS protein (p.Leu234Val). The leucine residue is highly conserved and there is a small physicochemical difference between leucine and valine. In summary, the available evidence is currently insufficient to determine the role of this variant in disease. Therefore, it has been classified as a Variant of Uncertain Significance. Algorithms developed to predict the effect of missense changes on protein structure and function are either unavailable or do not agree on the potential impact of this missense change (SIFT: "Not Available"; PolyPhen-2: "Possibly Damaging"; Align-GVGD: "Not Available"). This variant has not been reported in the literature in individuals with YARS-related conditions. This variant is not present in population databases (ExAC no frequency).